The following is an entry in ClinVar:

NM_005198.5(CHKB):c.697C>T (p.Pro233Ser)

Genes: CHKB (choline kinase beta; minus strand), CHKB-CPT1B (CHKB-CPT1B readthrough (NMD candidate); minus strand). Cytogenetic location: 22q13.33.
Variant type: single nucleotide variant.
Coding change: c.697C>T on transcript NM_005198.5 (MANE Select); coding-DNA position 697, C replaced by T.
Protein change: p.Pro233Ser; replaces proline 233 with serine.
Molecular consequence: missense variant. On other transcripts: non-coding transcript variant (1).
Genome position (GRCh38, 1-based): chr22:50,580,397, G>A on the plus strand (C>T on the coding strand, the complement: CHKB is on the minus strand). VCF-style: chr22-50580397-G-A. GRCh37 (hg19) VCF-style: chr22-51018826-G-A.
Other names: short protein forms P233S.
Identifiers: ClinVar variation 1406671 (VCV001406671.8), dbSNP rs1373704548, ClinGen allele CA412199101.

ClinVar aggregate classification (germline): Uncertain significance (1 of 4 stars; one submission).

Conditions:
Megaconial type congenital muscular dystrophy (MDCMC). Also called: CHKB-Related Muscular Dystrophy; CHKB-Related Muscle Diseases; MUSCULAR DYSTROPHY, CONGENITAL, WITH MITOCHONDRIAL STRUCTURAL ABNORMALITIES. Identifiers: Orphanet 280671, MedGen C1865233, MONDO:0011246, OMIM 602541.

Allele frequency attached by ClinVar (database versions not stated): gnomAD exomes below 0.00001; gnomAD 0.00001.

Submission:

Labcorp Genetics (formerly Invitae), Labcorp
Classification: Uncertain significance for Megaconial type congenital muscular dystrophy. Last evaluated: 2022-06-20. Review status: criteria provided, single submitter. Criteria: Invitae Variant Classification Sherloc (09022015). Collection method: clinical testing. Allele origin: germline.
Comment: This sequence change replaces proline, which is neutral and non-polar, with serine, which is neutral and polar, at codon 233 of the CHKB protein (p.Pro233Ser). In summary, the available evidence is currently insufficient to determine the role of this variant in disease. Therefore, it has been classified as a Variant of Uncertain Significance. Algorithms developed to predict the effect of missense changes on protein structure and function output the following: SIFT: "Tolerated"; PolyPhen-2: "Benign"; Align-GVGD: "Class C0". The serine amino acid residue is found in multiple mammalian species, which suggests that this missense change does not adversely affect protein function. This variant has not been reported in the literature in individuals affected with CHKB-related conditions. This variant is present in population databases (no rsID available, gnomAD 0.007%).